The following is an entry in ClinVar:

ClinVar aggregate classification (germline): Uncertain significance. Review status: criteria provided, multiple submitters, no conflicts (2 of 4 stars). 2 submissions from 2 submitters: Uncertain significance (2). Last evaluated 2026-08-04.

Conditions:
Juvenile polyposis syndrome (JPS). Identifiers: Orphanet 2929, MedGen C0345893, MONDO:0017380, OMIM 174900.
Hereditary cancer-predisposing syndrome. Also called: Tumor predisposition; Hereditary neoplastic syndrome; Neoplastic Syndromes, Hereditary; Hereditary Cancer Syndrome. Identifiers: Orphanet 140162, MedGen C0027672, MeSH D009386, MONDO:0015356.

Submissions (2):

Ambry Genetics
Classification: Uncertain significance for Hereditary cancer-predisposing syndrome. Last evaluated: 2026-08-04. Review status: criteria provided, single submitter. Criteria: Ambry Variant Classification Scheme 2023. Collection method: clinical testing. Allele origin: germline.
Comment: The p.A293V variant (also known as c.878C>T), located in coding exon 8 of the BMPR1A gene, results from a C to T substitution at nucleotide position 878. The alanine at codon 293 is replaced by valine, an amino acid with similar properties. This amino acid position is highly conserved in available vertebrate species. In addition, this alteration is predicted to be deleterious by in silico analysis. Based on the available evidence, the clinical significance of this variant remains unclear.

Labcorp Genetics (formerly Invitae), Labcorp
Classification: Uncertain significance for Juvenile polyposis syndrome. Last evaluated: 2024-09-18. Review status: criteria provided, single submitter. Criteria: Invitae Variant Classification Sherloc (09022015). Collection method: clinical testing. Allele origin: germline.
Comment: This sequence change replaces alanine, which is neutral and non-polar, with valine, which is neutral and non-polar, at codon 293 of the BMPR1A protein (p.Ala293Val). This variant is not present in population databases (gnomAD no frequency). This missense change has been observed in individual(s) with colorectal cancer (PMID: 30809968). ClinVar contains an entry for this variant (Variation ID: 822732). Invitae Evidence Modeling of protein sequence and biophysical properties (such as structural, functional, and spatial information, amino acid conservation, physicochemical variation, residue mobility, and thermodynamic stability) indicates that this missense variant is expected to disrupt BMPR1A protein function with a positive predictive value of 80%. In summary, the available evidence is currently insufficient to determine the role of this variant in disease. Therefore, it has been classified as a Variant of Uncertain Significance.

Literature cited by the submitters: PubMed 30809968 (cited by Labcorp Genetics (formerly Invitae), Labcorp).

NM_004329.3(BMPR1A):c.878C>T (p.Ala293Val)

Gene: BMPR1A (bone morphogenetic protein receptor type 1A; plus strand). Cytogenetic location: 10q23.2.
Variant type: single nucleotide variant.
Coding change: c.878C>T on transcript NM_004329.3 (MANE Select); coding-DNA position 878, C replaced by T.
Protein change: p.Ala293Val; replaces alanine 293 with valine.
Molecular consequence: missense variant.
Genome position (GRCh38, 1-based): chr10:86,919,181, C>T. VCF-style: chr10-86919181-C-T. GRCh37 (hg19) VCF-style: chr10-88678938-C-T.
Other names: short protein forms A293V.
Identifiers: ClinVar variation 822732 (VCV000822732.17), dbSNP rs1589291509, ClinGen allele CA377459796.